The following is an entry in ClinVar:

NM_199242.3(UNC13D):c.1792C>T (p.Gln598Ter)

Gene: UNC13D (unc-13 homolog D; minus strand). Cytogenetic location: 17q25.1.
Variant type: single nucleotide variant.
Coding change: c.1792C>T on transcript NM_199242.3 (MANE Select); coding-DNA position 1792, C replaced by T.
Protein change: p.Gln598Ter; replaces glutamine 598 with a stop codon.
Molecular consequence: nonsense.
Genome position (GRCh38, 1-based): chr17:75,835,465, G>A on the plus strand (C>T on the coding strand, the complement: UNC13D is on the minus strand). VCF-style: chr17-75835465-G-A. GRCh37 (hg19) VCF-style: chr17-73831546-G-A.
Other names: short protein forms Q598*.
Identifiers: ClinVar variation 1073330 (VCV001073330.8), dbSNP rs1422897832, ClinGen allele CA401092518.

ClinVar aggregate classification (germline): Pathogenic/Likely pathogenic. Review status: criteria provided, multiple submitters, no conflicts (2 of 4 stars). 2 submissions from 2 submitters: Pathogenic (1); Likely pathogenic (1). Last evaluated 2022-08-09.

Conditions:
Familial hemophagocytic lymphohistiocytosis 3 (FHL3). Also called: UNC13D-Related Familial Hemophagocytic Lymphohistiocytosis (UNC13D-fHLH). Identifiers: Orphanet 540, MedGen C1837174, MONDO:0012146, OMIM 608898.
UNC13D-related disorder. Also called: UNC13D-related condition.

Submissions (2):

Labcorp Genetics (formerly Invitae), Labcorp
Classification: Pathogenic for Familial hemophagocytic lymphohistiocytosis 3. Last evaluated: 2022-08-09. Review status: criteria provided, single submitter. Criteria: Invitae Variant Classification Sherloc (09022015). Collection method: clinical testing. Allele origin: germline.
Comment: This variant is not present in population databases (gnomAD no frequency). This variant has not been reported in the literature in individuals affected with UNC13D-related conditions. This sequence change creates a premature translational stop signal (p.Gln598*) in the UNC13D gene. It is expected to result in an absent or disrupted protein product. Loss-of-function variants in UNC13D are known to be pathogenic (PMID: 14622600). For these reasons, this variant has been classified as Pathogenic. ClinVar contains an entry for this variant (Variation ID: 1073330).

Blueprint Genetics
Classification: Likely pathogenic for UNC13D-related disorders. Last evaluated: 2022-01-20. Review status: criteria provided, single submitter. Criteria: ACMG Guidelines, 2015. Collection method: clinical testing. Allele origin: germline. Affected: yes. Observed: 1 variant allele.

Literature cited by the submitters: PubMed 14622600 (cited by Labcorp Genetics (formerly Invitae), Labcorp).